The following is an entry in ClinVar:

NM_003001.5(SDHC):c.*247C>G

Gene: SDHC (succinate dehydrogenase complex subunit C; plus strand). Cytogenetic location: 1q23.3.
Variant type: single nucleotide variant.
Coding change: c.*247C>G on transcript NM_003001.5 (MANE Select); 247 bases downstream of the stop codon, C replaced by G.
Molecular consequence: 3 prime UTR variant.
Genome position (GRCh38, 1-based): chr1:161,362,680, C>G. VCF-style: chr1-161362680-C-G. GRCh37 (hg19) VCF-style: chr1-161332470-C-G.
Other names: c.*140C>G (NM_001035511.3, NM_001278172.3, NM_001407121.1); c.*247C>G (NM_001035512.3, NM_001035513.3, NM_001407115.1 and 5 more transcripts).
Identifiers: ClinVar variation 293323 (VCV000293323.9), dbSNP rs540126021, ClinGen allele CA10608028.
Genomic context (GRCh38, chr1:161,362,680, plus strand): 5'-CCTTGTTTCTAAAGATGAGGTGGCTGCAAAAACTCCCCTTTTTTGCCCACAGCTTGCCTA[C>G]TCTCGGCCTAGAAGCAGTTATTCTCTCTCCATATTGGGCTTTGATTTGTGCTGAGGGTCA-3'

ClinVar aggregate classification (germline): Benign. Review status: criteria provided, multiple submitters, no conflicts (2 of 4 stars). 2 submissions from 2 submitters: Benign (2). Last evaluated 2018-06-21.

Conditions:
Hereditary pheochromocytoma and paraganglioma. Also called: Hereditary Paraganglioma-Pheochromocytoma Syndromes; Hereditary paragangliomas and pheochromocytomas; Hereditary pheochromocytoma-paraganglioma. Identifiers: Orphanet 29072, MedGen C4274332, MONDO:0017366.

Allele frequency attached by ClinVar (database versions not stated): gnomAD 0.02005 and 0.02155; 1000 Genomes Project 0.02236; 1000 Genomes Project 30x 0.02311.
gnomAD v4.1: 4,204 of 687,404 alleles (0.61%); highest among the groups gnomAD compares: African/African-American, 6.8%; 114 homozygotes.

Submissions (2):

GeneDx
Classification: Benign. Last evaluated: 2018-06-21. Review status: criteria provided, single submitter. Criteria: GeneDx Variant Classification Process June 2021. Collection method: clinical testing. Allele origin: germline. Affected: yes.

Illumina Laboratory Services, Illumina
Classification: Benign for Hereditary Paraganglioma-Pheochromocytoma Syndromes. Last evaluated: 2018-01-29. Review status: criteria provided, single submitter. Criteria: ICSL Variant Classification Criteria 13 December 2019. Collection method: clinical testing. Allele origin: germline.
Comment: This variant was observed as part of a predisposition screen in an ostensibly healthy population. A literature search was performed for the gene, cDNA change, and amino acid change (where applicable). No publications were found based on this search. Allele frequency data from public databases was too high to be consistent with this variant causing disease. Therefore, this variant is classified as benign.